The following is an entry in ClinVar:

ClinVar aggregate classification (germline): Uncertain significance (0 of 4 stars; one submission).

Conditions:
H19-related disorder. Also called: H19-related condition.

Submission:

PreventionGenetics, part of Exact Sciences
Classification: Uncertain significance for H19-related condition. Last evaluated: 2024-07-01. Review status: no assertion criteria provided. Collection method: clinical testing. Allele origin: germline.
Comment: The H19 n.-1381C>T variant is predicted to interfere with splicing. To our knowledge, this variant has not been reported in the literature or in a large population database, indicating this variant is rare. A few variants in the upstream regulatory region of H19 have been reported in association with Silver-Russel syndrome or Beckwith-Wiedemann syndrome (see for example, Demars et al. 2010. PubMed ID: 20007505; Schönherr et al. 2008. PubMed ID: 19209620). At this time, the clinical significance of this variant is uncertain due to the absence of conclusive functional and genetic evidence.

NC_000011.10:g.1999256G>A

Genes: H19 (H19 imprinted maternally expressed transcript; minus strand), H19-ICR (H19/IGF2 imprinting control region; plus strand), MRPL23 (mitochondrial ribosomal protein L23; plus strand). Cytogenetic location: 11p15.5.
Variant type: single nucleotide variant.
Molecular consequence: intron variant (on NM_001400176.1).
Genome position: GRCh38 VCF-style: chr11-1999256-G-A. GRCh37 (hg19) VCF-style: chr11-2020486-G-A.
Other names: c.498-12285G>A (NM_001400176.1).
Identifiers: ClinVar variation 3347126 (VCV003347126.1).